The following is an entry in ClinVar:

NM_000512.5(GALNS):c.423-253G>A

Gene: GALNS (galactosamine (N-acetyl)-6-sulfatase; minus strand). Cytogenetic location: 16q24.3.
Variant type: single nucleotide variant.
Coding change: c.423-253G>A on transcript NM_000512.5 (MANE Select); 253 bases into the intron before coding-DNA position 423, G replaced by A.
Molecular consequence: intron variant.
Genome position (GRCh38, 1-based): chr16:88,838,018, C>T on the plus strand (G>A on the coding strand, the complement: GALNS is on the minus strand). VCF-style: chr16-88838018-C-T. GRCh37 (hg19) VCF-style: chr16-88904426-C-T.
Other names: c.-133-253G>A (NM_001323543.2); c.441-253G>A (NM_001323544.2).
Identifiers: ClinVar variation 674235 (VCV000674235.1), dbSNP rs117624874, ClinGen allele CA14273561.

ClinVar aggregate classification (germline): Benign (1 of 4 stars; one submission).

Allele frequency attached by ClinVar (database versions not stated): 1000 Genomes Project 0.03554; 1000 Genomes Project 30x 0.03701; gnomAD 0.05564 and 0.05743; TOPMed 0.05778; gnomAD exomes 0.06564.
gnomAD v4.1: 31,968 of 504,574 alleles (6.3%); highest among the groups gnomAD compares: Middle Eastern, 14%; 1,285 homozygotes.

Submission:

GeneDx
Classification: Benign. Last evaluated: 2018-06-19. Review status: criteria provided, single submitter. Criteria: GeneDx Variant Classification (06012015). Collection method: clinical testing. Allele origin: germline. Affected: yes.
Comment: This variant is considered likely benign or benign based on one or more of the following criteria: it is a conservative change, it occurs at a poorly conserved position in the protein, it is predicted to be benign by multiple in silico algorithms, and/or has population frequency not consistent with disease.